The following is an entry in ClinVar:

ClinVar aggregate classification (germline): Uncertain significance (1 of 4 stars; one submission).

Submission:

GeneDx
Classification: Uncertain significance. Last evaluated: 2024-05-02. Review status: criteria provided, single submitter. Criteria: GeneDx Variant Classification Process June 2021. Collection method: clinical testing. Allele origin: germline. Affected: yes.
Comment: Not observed at significant frequency in large population cohorts (gnomAD); In silico analysis supports that this missense variant has a deleterious effect on protein structure/function; Has not been previously published as pathogenic or benign to our knowledge

NM_001999.4(FBN2):c.8482C>T (p.Leu2828Phe)

Gene: FBN2 (fibrillin 2; minus strand). Cytogenetic location: 5q23.3.
Variant type: single nucleotide variant.
Coding change: c.8482C>T on transcript NM_001999.4 (MANE Select); coding-DNA position 8482, C replaced by T.
Protein change: p.Leu2828Phe; replaces leucine 2828 with phenylalanine.
Molecular consequence: missense variant.
Genome position (GRCh38, 1-based): chr5:128,259,712, G>A on the plus strand (C>T on the coding strand, the complement: FBN2 is on the minus strand). VCF-style: chr5-128259712-G-A. GRCh37 (hg19) VCF-style: chr5-127595404-G-A.
Other names: short protein forms L2828F.
Identifiers: ClinVar variation 1306361 (VCV001306361.3), dbSNP rs2126791897, ClinGen allele CA360745736.